The following continues an entry in ClinVar:

NM_000257.4(MYH7):c.2722C>G (p.Leu908Val)

Gene: MYH7. ClinVar aggregate classification (germline): Pathogenic. Pathogenic (1).

Submissions 10 to 17 of 17:

Ambry Genetics
Classification: Pathogenic for Cardiovascular phenotype. Last evaluated: 2022-04-19. Review status: criteria provided, single submitter. Criteria: Ambry General Variant Classification Scheme_2022. Collection method: clinical testing. Allele origin: germline. Observed: 1 variant allele. Not counted in ClinVar's aggregate classification.
Comment: The p.L908V pathogenic mutation (also known as c.2722C>G), located in coding exon 21 of the MYH7 gene, results from a C to G substitution at nucleotide position 2722. The leucine at codon 908 is replaced by valine, an amino acid with highly similar properties. This alteration is located in the myosin head domain, which contains a statistically significant clustering of pathogenic missense variants (Homburger JR et al. Proc Natl Acad Sci U S A, 2016 06;113:6701-6; Walsh R et al. Genet Med, 2017 02;19:192-203; Ambry internal data). This alteration has been reported in families with hypertrophic cardiomyopathy (HCM) and strongly segregated with disease, though incomplete penetrance and a low incidence of sudden death were noted (Epstein ND et al. Circulation. 1992;86(2):345-52; al-Mahdawi S et al. Br Heart J. 1993;69(2):136-41; Woo A et al. Heart. 2003;89(10):1179-85). This alteration has also been reported in additional HCM cohorts (Lopes LR et al. Heart. 2015;101(4):294-301; Homburger JR et al. Proc. Natl. Acad. Sci. U.S.A.. 2016;113(24):6701-6; Walsh R et al. Genet. Med. 2017 02;19(2):192-203). In vitro motility assays showed an increase in actin filament velocities and gain of function (Palmiter KA et al. J Muscle Res Cell Motil. 2000;21(7):609-20; Alpert NR et al. Am J Physiol Heart Circ Physiol. 2005;288(3):H1097-102). In addition, this alteration is predicted to be deleterious by in silico analysis. Based on the supporting evidence, this alteration is interpreted as a disease-causing mutation.

GeneDx
Classification: Pathogenic. Last evaluated: 2022-02-17. Review status: criteria provided, single submitter. Criteria: GeneDx Variant Classification Process June 2021. Collection method: clinical testing. Allele origin: germline. Affected: yes. Not counted in ClinVar's aggregate classification.
Comment: Reported in multiple unrelated individuals with HCM referred for genetic testing at GeneDx and in the published literature (Epstein et al., 1992; Atiga et al., 2000; Van Driest et al., 2002; Woo et al., 2003; Alpert et al., 2005; Morita et al., 2008; Rodriguez et al., 2011; Pan et al., 2012; Kapplinger et al., 2014; Murphy et al., 2016; Marian et al., 2018; Mattivi et al., 2020; Burstein et al., 2021; Hathaway et al., 2021); Not observed at significant frequency in large population cohorts (gnomAD); Published functional studies demonstrated L908V increases the velocity of actin filament movement in the in vitro motility assays performed using cardiac or skeletal muscle tissue from L908V heterozygous individuals (Palmiter et al., 2000; Alpert et al., 2005); In silico analysis supports that this missense variant does not alter protein structure/function; This variant is associated with the following publications: (PMID: 9172070, 20560001, 26914223, 8514894, 21642240, 11227787, 10615387, 7731997, 12881443, 23074333, 12473556, 15858117, 18480046, 21310275, 12428185, 9475582, 12975413, 15358028, 24510615, 12820698, 8435239, 1638703, 8483915, 15528230, 28166811, 27532257, 25351510, 27247418, 28606303, 18403758, 29300372, 10725281, 31324451, 31447099, 29540445, 33673806, 32746448, 31006259, 34135346, 32894683, 31996208, 8281650, 31905684, 22555271, 21135372)

Women's Health and Genetics/Laboratory Corporation of America, LabCorp
Classification: Pathogenic for Primary familial hypertrophic cardiomyopathy. Last evaluated: 2021-07-12. Review status: criteria provided, single submitter. Criteria: LabCorp Variant Classification Summary - May 2015. Collection method: clinical testing. Allele origin: germline. Not counted in ClinVar's aggregate classification.
Comment: Variant summary: MYH7 c.2722C>G (p.Leu908Val) results in a conservative amino acid change located in the Myosin tail domain (IPR002928) of the encoded protein sequence. Four of five in-silico tools predict a damaging effect of the variant on protein function. The variant was absent in 251552 control chromosomes. c.2722C>G has been reported in the literature in multiple individuals affected with Hypertrophic Cardiomyopathy (example, Epstein_1992, VanDriest_2002, Morita_2008, Alpert_2005, Alpert_2005, Walsh_2017). These data indicate that the variant is very likely to be associated with disease. Several publications report experimental evidence evaluating an impact on protein function. The rate of translocation of acting filaments as measured by in-vitro motility assays was 35% of wild-type levels (Cuda_1993). Subsequently, a gain of function effect was observed as an increase in actin filament velocity in the in-vitro motility assay (Palmiter_2000) and an increase in actin sliding velocity (Alpert_2005). Multiple clinical diagnostic laboratories and an expert panel (ClinGen Inherited Cardiomyopathy Variant Curation Expert Panel) have submitted clinical-significance assessments for this variant to ClinVar after 2014. All submitters classified the variant as pathogenic. Based on the evidence outlined above, the variant was classified as pathogenic.

Agnes Ginges Centre for Molecular Cardiology, Centenary Institute
Classification: Pathogenic for Hypertrophic cardiomyopathy 1. Last evaluated: 2017-03-10. Review status: criteria provided, single submitter. Criteria: Agnes Ginges Centre for Molecular Cardiology criteria (2015). Collection method: research. Allele origin: germline. Inheritance: Autosomal dominant inheritance. Affected: yes. Not counted in ClinVar's aggregate classification.
Comment: The MYH7 Leu908Val variant has been reported in more than 15 HCM probands (see literature), and in particular has been found to cosegregate with disease in a few large families (Alpert NR, et al., 2005; Woo A, et al., 2003; Epstein ND, et al., 1992). In vitro assays suggest that the variant may impact myosin cross-bridge kinetics (Palmiter et al., 2000) and increase the velocity by which myosin translocated actin (Alpert NR, et al., 2005). The variant is absent in the Exome Aggregation Consortium dataset, as well as the 1000 genomes project. Computational tools SIFT, PolyPhen-2, MutationTaster predict that this variant is deleterious. In summary, based on the large amount of probands reported with this variant, the strong segregation data, in vitro assays indicative of a functional effect, rarity in the general population and in silico tools predicting a deletrious effect, we classify the MYH7 Leu908Val variant "pathogenic".

Laboratory for Molecular Medicine, Mass General Brigham Personalized Medicine
Classification: Pathogenic for Hypertrophic cardiomyopathy. Last evaluated: 2017-02-21. Review status: criteria provided, single submitter. Criteria: LMM Criteria. Collection method: clinical testing. Allele origin: germline. Inheritance: Autosomal dominant inheritance. Observed: 46 variant alleles. Not counted in ClinVar's aggregate classification.
Comment: The p.Leu908Val variant in MYH7 has been well established as pathogenic for HCM. It has been reported in many families with HCM and segregated with disease in > 50 affected relatives (Epstein 1992, al-Mahdawi 1993, Cuda 1993, Rayment 1995, W oo 2003, Van Driest 2002, Fananapazir 1993, Alpert 2005, Van Driest 2004). In ad dition, studies have shown that this variant may impact protein function (Cuda 1 993, Alpert 2005). This variant has been identified in 1/14560 European chromoso mes by the Genome Aggregation Database (gnomAD; dbSNP rs121913631). In summary, the p.Leu908Val variant meets criteria to be classified as pathogenic for autosomal dominant HCM based upon recurrence in aff ected individuals, segregation studies, extremely low frequency in the general p opulation and functional evidence. ACMG/AMP Criteria: PS4, PP1_Strong; PS3_Suppo rting; PM2; PP3.

Eurofins Ntd Llc (ga)
Classification: Pathogenic. Last evaluated: 2015-09-16. Review status: criteria provided, single submitter. Criteria: EGL Classification Definitions. Collection method: clinical testing. Allele origin: germline. Observed: 3 variant alleles, 3 heterozygotes. Not counted in ClinVar's aggregate classification.

Stanford Center for Inherited Cardiovascular Disease, Stanford University
Classification: Pathogenic. Last evaluated: 2014-10-03. Review status: criteria provided, single submitter. Criteria: ACMG Guidelines, 2015. Collection method: provider interpretation. Allele origin: germline. Not counted in ClinVar's aggregate classification.

OMIM
Classification: Pathogenic for CARDIOMYOPATHY, FAMILIAL HYPERTROPHIC, 1. Last evaluated: 1993-05-01. Review status: no assertion criteria provided. Collection method: literature only. Allele origin: germline. Not counted in ClinVar's aggregate classification.

Literature cited by the submitters: PubMed 8483915 (cited by 9 submitters); PubMed 1638703 (cited by 9 submitters); PubMed 12473556 (cited by 8 submitters); PubMed 12975413 (cited by 6 submitters); PubMed 27532257 (cited by 4 submitters); PubMed 29300372 (cited by 3 submitters); PubMed 10725281 (cited by 3 submitters); PubMed 15358028 (cited by 3 submitters); PubMed 15858117 (cited by 5 submitters); PubMed 18403758 (cited by 6 submitters); PubMed 21642240 (cited by 3 submitters); PubMed 9172070 (cited by 3 submitters); PubMed 11227787 (cited by 6 submitters); PubMed 15528230 (cited by 7 submitters); PubMed 24714796 (cited by Victorian Clinical Genetics Services, Murdoch Childrens Research Institute); PubMed 26914223 (cited by 3 submitters); PubMed 8435239 (cited by 5 submitters); PubMed 24510615 (cited by 3 submitters); PubMed 25351510 (cited by All of Us Research Program, National Institutes of Health and Color Diagnostics, LLC DBA Color Health); PubMed 27247418 (cited by All of Us Research Program, National Institutes of Health and Color Diagnostics, LLC DBA Color Health); PubMed 32746448 (cited by Color Diagnostics, LLC DBA Color Health); PubMed 33673806 (cited by Color Diagnostics, LLC DBA Color Health); PubMed 8281650 (cited by Women's Health and Genetics/Laboratory Corporation of America, LabCorp); PubMed 8514894 (cited by 3 submitters); PubMed 7731997 (cited by Agnes Ginges Centre for Molecular Cardiology, Centenary Institute and Laboratory for Molecular Medicine, Mass General Brigham Personalized Medicine); McKenna, W. J. Personal Communication. 1993. London, England (cited by OMIM).